The following is an entry in ClinVar:

NM_025144.4(ALPK1):c.2024C>T (p.Ser675Leu)

Gene: ALPK1 (alpha kinase 1; plus strand). Cytogenetic location: 4q25.
Variant type: single nucleotide variant.
Coding change: c.2024C>T on transcript NM_025144.4 (MANE Select); coding-DNA position 2024, C replaced by T.
Protein change: p.Ser675Leu; replaces serine 675 with leucine.
Molecular consequence: missense variant.
Genome position (GRCh38, 1-based): chr4:112,431,571, C>T. VCF-style: chr4-112431571-C-T. GRCh37 (hg19) VCF-style: chr4-113352727-C-T.
Other names: c.2024C>T, p.Ser675Leu (NM_001102406.2); c.1790C>T, p.Ser597Leu (NM_001253884.2); short protein forms S597L, S675L.
Identifiers: ClinVar variation 3607311 (VCV003607311.2).

ClinVar aggregate classification (germline): Uncertain significance (1 of 4 stars; one submission).

gnomAD v4.1: 24 of 1,614,036 alleles (0.0015%); highest among the groups gnomAD compares: African/African-American, 0.011%; no homozygotes.

Submission:

Labcorp Genetics (formerly Invitae), Labcorp
Classification: Uncertain significance. Last evaluated: 2024-10-20. Review status: criteria provided, single submitter. Criteria: Invitae Variant Classification Sherloc (09022015). Collection method: clinical testing. Allele origin: germline.
Comment: This sequence change replaces serine, which is neutral and polar, with leucine, which is neutral and non-polar, at codon 675 of the ALPK1 protein (p.Ser675Leu). This variant is present in population databases (rs777634886, gnomAD 0.01%). This variant has not been reported in the literature in individuals affected with ALPK1-related conditions. Invitae Evidence Modeling of protein sequence and biophysical properties (such as structural, functional, and spatial information, amino acid conservation, physicochemical variation, residue mobility, and thermodynamic stability) indicates that this missense variant is not expected to disrupt ALPK1 protein function with a negative predictive value of 80%. In summary, the available evidence is currently insufficient to determine the role of this variant in disease. Therefore, it has been classified as a Variant of Uncertain Significance.